The following is an entry in ClinVar:

ClinVar aggregate classification (germline): Uncertain significance. Review status: criteria provided, multiple submitters, no conflicts (2 of 4 stars). 2 submissions from 2 submitters: Uncertain significance (2). Last evaluated 2022-07-12.

Conditions:
Generalized epilepsy-paroxysmal dyskinesia syndrome (PNKD3). Also called: Generalized epilepsy and paroxysmal dyskinesia; Paroxysmal nonkinesigenic dyskinesia, 3, with or without generalized epilepsy. Identifiers: Orphanet 79137, MedGen C5574945, MONDO:0012276, OMIM 609446.

Submissions (2):

Labcorp Genetics (formerly Invitae), Labcorp
Classification: Uncertain significance for Generalized epilepsy-paroxysmal dyskinesia syndrome. Last evaluated: 2022-07-12. Review status: criteria provided, single submitter. Criteria: Invitae Variant Classification Sherloc (09022015). Collection method: clinical testing. Allele origin: germline.
Comment: This sequence change replaces threonine, which is neutral and polar, with isoleucine, which is neutral and non-polar, at codon 617 of the KCNMA1 protein (p.Thr617Ile). This variant is not present in population databases (gnomAD no frequency). This missense change has been observed in individual(s) with clinical features of autosomal dominant KCNMA1-related conditions (Invitae). ClinVar contains an entry for this variant (Variation ID: 1354668). Algorithms developed to predict the effect of missense changes on protein structure and function (SIFT, PolyPhen-2, Align-GVGD) all suggest that this variant is likely to be tolerated. In summary, the available evidence is currently insufficient to determine the role of this variant in disease. Therefore, it has been classified as a Variant of Uncertain Significance.

GeneDx
Classification: Uncertain significance. Last evaluated: 2021-09-24. Review status: criteria provided, single submitter. Criteria: GeneDx Variant Classification Process June 2021. Collection method: clinical testing. Allele origin: germline. Affected: yes.
Comment: Not observed at significant frequency in large population cohorts (gnomAD); In silico analysis supports that this missense variant has a deleterious effect on protein structure/function; Has not been previously published as pathogenic or benign to our knowledge

NM_001161352.2(KCNMA1):c.1850C>T (p.Thr617Ile)

Gene: KCNMA1 (potassium calcium-activated channel subfamily M alpha 1; minus strand). Cytogenetic location: 10q22.3.
Variant type: single nucleotide variant.
Coding change: c.1850C>T on transcript NM_001161352.2 (MANE Select); coding-DNA position 1850, C replaced by T.
Protein change: p.Thr617Ile; replaces threonine 617 with isoleucine.
Molecular consequence: missense variant.
Genome position (GRCh38, 1-based): chr10:77,039,537, G>A on the plus strand (C>T on the coding strand, the complement: KCNMA1 is on the minus strand). VCF-style: chr10-77039537-G-A. GRCh37 (hg19) VCF-style: chr10-78799295-G-A.
Other names: c.1850C>T, p.Thr617Ile (NM_001014797.3, NM_001161353.2, NM_001271519.2 and 7 more transcripts); c.1688C>T, p.Thr563Ile (NM_001271518.2); c.1310C>T, p.Thr437Ile (NM_001322838.2); short protein forms T617I, T437I, T563I.
Identifiers: ClinVar variation 1354668 (VCV001354668.9), dbSNP rs1440636763, ClinGen allele CA377410005.